The following is an entry in ClinVar:

NM_053025.4(MYLK):c.2740G>C (p.Asp914His)

Gene: MYLK (myosin light chain kinase; minus strand). Cytogenetic location: 3q21.1.
Variant type: single nucleotide variant.
Coding change: c.2740G>C on transcript NM_053025.4 (MANE Select); coding-DNA position 2740, G replaced by C.
Protein change: p.Asp914His; replaces aspartic acid 914 with histidine.
Molecular consequence: missense variant.
Genome position (GRCh38, 1-based): chr3:123,700,728, C>G on the plus strand (G>C on the coding strand, the complement: MYLK is on the minus strand). VCF-style: chr3-123700728-C-G. GRCh37 (hg19) VCF-style: chr3-123419575-C-G.
Other names: c.2212G>C, p.Asp738His (NM_001321309.2); c.2533G>C, p.Asp845His (NM_053026.4, NM_053028.4); c.2740G>C, p.Asp914His (NM_053027.4); short protein forms D738H, D845H, D914H.
Identifiers: ClinVar variation 836623 (VCV000836623.11), dbSNP rs561148360, ClinGen allele CA354231606.

ClinVar aggregate classification (germline): Uncertain significance. Review status: criteria provided, multiple submitters, no conflicts (2 of 4 stars). 2 submissions from 2 submitters: Uncertain significance (2). Last evaluated 2024-12-04.

Conditions:
Familial thoracic aortic aneurysm and aortic dissection (TAAD). Also called: Thoracic aortic aneurysms and dissections. Identifiers: Orphanet 91387, MedGen C4707243, MONDO:0019625.
Aortic aneurysm, familial thoracic 7 (AAT7). Also called: AORTIC DISSECTION, FAMILIAL, WITH OR WITHOUT AORTIC ANEURYSM. Identifiers: MedGen C3151077, MONDO:0013418, OMIM 613780.

gnomAD v4.1: 1 of 1,614,158 alleles (0.000062%); highest among the groups gnomAD compares: Non-Finnish European, 0.000085%; no homozygotes.

Submissions (2):

Labcorp Genetics (formerly Invitae), Labcorp
Classification: Uncertain significance for Aortic aneurysm, familial thoracic 7. Last evaluated: 2024-12-04. Review status: criteria provided, single submitter. Criteria: Invitae Variant Classification Sherloc (09022015). Collection method: clinical testing. Allele origin: germline.
Comment: This sequence change replaces aspartic acid, which is acidic and polar, with histidine, which is basic and polar, at codon 914 of the MYLK protein (p.Asp914His). This variant is not present in population databases (gnomAD no frequency). This variant has not been reported in the literature in individuals affected with MYLK-related conditions. ClinVar contains an entry for this variant (Variation ID: 836623). Invitae Evidence Modeling of protein sequence and biophysical properties (such as structural, functional, and spatial information, amino acid conservation, physicochemical variation, residue mobility, and thermodynamic stability) indicates that this missense variant is not expected to disrupt MYLK protein function with a negative predictive value of 80%. In summary, the available evidence is currently insufficient to determine the role of this variant in disease. Therefore, it has been classified as a Variant of Uncertain Significance.

Ambry Genetics
Classification: Uncertain significance for Familial thoracic aortic aneurysm and aortic dissection. Last evaluated: 2023-08-13. Review status: criteria provided, single submitter. Criteria: Ambry Variant Classification Scheme 2023. Collection method: clinical testing. Allele origin: germline.
Comment: The p.D914H variant (also known as c.2740G>C), located in coding exon 15 of the MYLK gene, results from a G to C substitution at nucleotide position 2740. The aspartic acid at codon 914 is replaced by histidine, an amino acid with similar properties. This amino acid position is conserved. In addition, this alteration is predicted to be tolerated by in silico analysis. Since supporting evidence is limited at this time, the clinical significance of this alteration remains unclear.